The following is an entry in ClinVar:

ClinVar aggregate classification (germline): Likely pathogenic (1 of 4 stars; one submission).

Conditions:
CFTR-related disorder (CFTR-RD). Also called: CFTR-related disorders; CFTR-related condition. Identifiers: MedGen C5924204, MONDO:7770004.

Submission:

Natera, Inc.
Classification: Likely pathogenic for CFTR-related disorders. Last evaluated: 2025-05-05. Review status: criteria provided, single submitter. Criteria: Natera Variant Classification Schema (03/2026). Collection method: clinical testing. Allele origin: germline.
Comment: The c.1382G>T variant in CFTR is a missense variant predicted to cause substitution of glycine to valine at amino acid 461. This variant is rare in the general population with a frequency below the threshold expected for the associated phenotype(s). Functional studies show that this variant may disrupt protein function (PMID: 38388235). A different variant at the same position has been determined to be Pathogenic or Likely Pathogenic. Computational prediction algorithms indicate this variant is likely to affect gene or protein function. Given the available evidence, this variant is classified as Likely Pathogenic.

Literature cited by the submitters: PubMed 38388235.

NM_000492.4(CFTR):c.1382G>T (p.Gly461Val)

Genes: CFTR (CF transmembrane conductance regulator; plus strand), CFTR-AS1 (CFTR antisense RNA 1; minus strand). Cytogenetic location: 7q31.2.
Variant type: single nucleotide variant.
Coding change: c.1382G>T on transcript NM_000492.4 (MANE Select); coding-DNA position 1382, G replaced by T.
Protein change: p.Gly461Val; replaces glycine 461 with valine.
Molecular consequence: missense variant.
Genome position (GRCh38, 1-based): chr7:117,548,813, G>T. VCF-style: chr7-117548813-G-T. GRCh37 (hg19) VCF-style: chr7-117188867-G-T.
Other names: short protein forms G461V.
Identifiers: ClinVar variation 4818471 (VCV004818471.1).